The following is an entry in ClinVar:

NM_006231.4(POLE):c.853T>C (p.Phe285Leu)

Gene: POLE (DNA polymerase epsilon, catalytic subunit; minus strand). Cytogenetic location: 12q24.33.
Variant type: single nucleotide variant.
Coding change: c.853T>C on transcript NM_006231.4 (MANE Select); coding-DNA position 853, T replaced by C.
Protein change: p.Phe285Leu; replaces phenylalanine 285 with leucine.
Molecular consequence: missense variant.
Genome position (GRCh38, 1-based): chr12:132,676,602, A>G on the plus strand (T>C on the coding strand, the complement: POLE is on the minus strand). VCF-style: chr12-132676602-A-G. GRCh37 (hg19) VCF-style: chr12-133253188-A-G.
Other names: short protein forms F285L.
Identifiers: ClinVar variation 4844252 (VCV004844252.1).

ClinVar aggregate classification (germline): Uncertain significance (1 of 4 stars; one submission).

Conditions:
Hereditary cancer-predisposing syndrome. Also called: Neoplastic Syndromes, Hereditary; Tumor predisposition; Hereditary Cancer Syndrome; Hereditary neoplastic syndrome. Identifiers: Orphanet 140162, MedGen C0027672, MeSH D009386, MONDO:0015356.

Submission:

Ambry Genetics
Classification: Uncertain significance for Hereditary cancer-predisposing syndrome. Last evaluated: 2026-01-20. Review status: criteria provided, single submitter. Criteria: Ambry Variant Classification Scheme 2023. Collection method: clinical testing. Allele origin: germline.
Comment: The p.F285L variant (also known as c.853T>C), located in coding exon 9 of the POLE gene, results from a T to C substitution at nucleotide position 853. The phenylalanine at codon 285 is replaced by leucine, an amino acid with highly similar properties. This amino acid position is highly conserved in available vertebrate species. In addition, this alteration is predicted to be deleterious by in silico analysis. Based on the available evidence, the clinical significance of this variant remains unclear.